The following is an entry in ClinVar:

NM_004447.6(EPS8):c.578A>T (p.Lys193Met)

Gene: EPS8 (EGFR pathway substrate 8, signaling adaptor; minus strand). Cytogenetic location: 12p12.3.
Variant type: single nucleotide variant.
Coding change: c.578A>T on transcript NM_004447.6 (MANE Select); coding-DNA position 578, A replaced by T.
Protein change: p.Lys193Met; replaces lysine 193 with methionine.
Molecular consequence: missense variant.
Genome position (GRCh38, 1-based): chr12:15,666,461, T>A on the plus strand (A>T on the coding strand, the complement: EPS8 is on the minus strand). VCF-style: chr12-15666461-T-A. GRCh37 (hg19) VCF-style: chr12-15819395-T-A.
Other names: short protein forms K193M.
Identifiers: ClinVar variation 1309862 (VCV001309862.6), dbSNP rs149392794, ClinGen allele CA6467841.

ClinVar aggregate classification (germline): Uncertain significance. Review status: criteria provided, multiple submitters, no conflicts (2 of 4 stars). 2 submissions from 2 submitters: Uncertain significance (2). Last evaluated 2022-07-15.

Allele frequency attached by ClinVar (database versions not stated): gnomAD exomes 0.00001; TOPMed 0.00003; ESP Exome Variant Server 0.00008; ExAC 0.00001; gnomAD 0.00001.
gnomAD v4.1: 11 of 1,613,792 alleles (0.00068%); highest among the groups gnomAD compares: African/African-American, 0.004%; no homozygotes.

Submissions (2):

Labcorp Genetics (formerly Invitae), Labcorp
Classification: Uncertain significance. Last evaluated: 2022-07-15. Review status: criteria provided, single submitter. Criteria: Invitae Variant Classification Sherloc (09022015). Collection method: clinical testing. Allele origin: germline.
Comment: This sequence change replaces lysine, which is basic and polar, with methionine, which is neutral and non-polar, at codon 193 of the EPS8 protein (p.Lys193Met). This variant is present in population databases (rs149392794, gnomAD 0.01%). This variant has not been reported in the literature in individuals affected with EPS8-related conditions. ClinVar contains an entry for this variant (Variation ID: 1309862). Algorithms developed to predict the effect of missense changes on protein structure and function are either unavailable or do not agree on the potential impact of this missense change (SIFT: "Not Available"; PolyPhen-2: "Probably Damaging"; Align-GVGD: "Not Available"). In summary, the available evidence is currently insufficient to determine the role of this variant in disease. Therefore, it has been classified as a Variant of Uncertain Significance.

GeneDx
Classification: Uncertain significance. Last evaluated: 2019-10-28. Review status: criteria provided, single submitter. Criteria: GeneDx Variant Classification Process June 2021. Collection method: clinical testing. Allele origin: germline. Affected: yes.
Comment: Not observed at a significant frequency in large population cohorts (Lek et al., 2016); In silico analysis, which includes protein predictors and evolutionary conservation, supports that this variant does not alter protein structure/function; Has not been previously published as pathogenic or benign to our knowledge